The following is an entry in ClinVar:

ClinVar aggregate classification (germline): Uncertain significance (1 of 4 stars; one submission).

Conditions:
Cone-rod dystrophy 13 (CORD13). Identifiers: Orphanet 1872, MedGen C2750720, MONDO:0011987, OMIM 608194.
Leber congenital amaurosis 6 (LCA6). Identifiers: Orphanet 65, MedGen C1854260, MONDO:0013446, OMIM 613826.

gnomAD v4.1: 1 of 1,611,996 alleles (0.000062%); highest among the groups gnomAD compares: Non-Finnish European, 0.000085%; no homozygotes.

Submission:

Labcorp Genetics (formerly Invitae), Labcorp
Classification: Uncertain significance for Leber congenital amaurosis 6; Cone-rod dystrophy 13. Last evaluated: 2019-11-23. Review status: criteria provided, single submitter. Criteria: Invitae Variant Classification Sherloc (09022015). Collection method: clinical testing. Allele origin: germline.
Comment: In summary, the available evidence is currently insufficient to determine the role of this variant in disease. Therefore, it has been classified as a Variant of Uncertain Significance. Algorithms developed to predict the effect of missense changes on protein structure and function output the following: SIFT: "Tolerated"; PolyPhen-2: "Benign"; Align-GVGD: "Class C0". The threonine amino acid residue is found in multiple mammalian species, suggesting that this missense change does not adversely affect protein function. These predictions have not been confirmed by published functional studies and their clinical significance is uncertain. This variant has not been reported in the literature in individuals with RPGRIP1-related conditions. This variant is not present in population databases (ExAC no frequency). This sequence change replaces methionine with threonine at codon 58 of the RPGRIP1 protein (p.Met58Thr). The methionine residue is weakly conserved and there is a moderate physicochemical difference between methionine and threonine.

NM_020366.4(RPGRIP1):c.173T>C (p.Met58Thr)

Gene: RPGRIP1 (RPGR interacting protein 1; plus strand). Cytogenetic location: 14q11.2.
Variant type: single nucleotide variant.
Coding change: c.173T>C on transcript NM_020366.4 (MANE Select); coding-DNA position 173, T replaced by C.
Protein change: p.Met58Thr; replaces methionine 58 with threonine.
Molecular consequence: missense variant.
Genome position (GRCh38, 1-based): chr14:21,294,764, T>C. VCF-style: chr14-21294764-T-C. GRCh37 (hg19) VCF-style: chr14-21762923-T-C.
Other names: short protein forms M58T.
Identifiers: ClinVar variation 840315 (VCV000840315.9), dbSNP rs1413728875, ClinGen allele CA388857817.